The following is an entry in ClinVar:

NM_004525.3(LRP2):c.4831C>T (p.Leu1611=)

Gene: LRP2 (LDL receptor related protein 2; minus strand). Cytogenetic location: 2q31.1.
Variant type: single nucleotide variant.
Coding change: c.4831C>T on transcript NM_004525.3 (MANE Select); coding-DNA position 4831, C replaced by T.
Protein change: p.Leu1611=; no amino-acid change (leucine 1611 retained).
Molecular consequence: synonymous variant.
Genome position (GRCh38, 1-based): chr2:169,235,929, G>A on the plus strand (C>T on the coding strand, the complement: LRP2 is on the minus strand). VCF-style: chr2-169235929-G-A. GRCh37 (hg19) VCF-style: chr2-170092439-G-A.
Identifiers: ClinVar variation 790340 (VCV000790340.58), dbSNP rs151079411, ClinGen allele CA1954699.

ClinVar aggregate classification (germline): Conflicting classifications of pathogenicity. Review status: criteria provided, conflicting classifications (1 of 4 stars). 5 submissions from 5 submitters: Uncertain significance (1); Benign (1); Likely benign (3). Last evaluated 2026-01-28.

Conditions:
Donnai-Barrow syndrome. Also called: DBS/FOAR SYNDROME; FACIOOCULOACOUSTICORENAL SYNDROME. Identifiers: Orphanet 2143, MedGen C1857277, MONDO:0009104, OMIM 222448.

Allele frequency attached by ClinVar (database versions not stated): 1000 Genomes Project 30x 0.00016; 1000 Genomes Project 0.00020; gnomAD 0.00087 and 0.00091; ExAC 0.00091; TOPMed 0.00094; gnomAD exomes 0.00103; ESP Exome Variant Server 0.00115.
gnomAD v4.1: 1,804 of 1,614,158 alleles (0.11%); highest among the groups gnomAD compares: Non-Finnish European, 0.11%; 7 homozygotes.

Submissions (5):

Labcorp Genetics (formerly Invitae), Labcorp
Classification: Benign. Last evaluated: 2026-01-28. Review status: criteria provided, single submitter. Criteria: Invitae Variant Classification Sherloc (09022015). Collection method: clinical testing. Allele origin: germline.

CeGaT Center for Human Genetics Tuebingen
Classification: Likely benign. Last evaluated: 2024-10-01. Review status: criteria provided, single submitter. Criteria: CeGaT Center For Human Genetics Tuebingen Variant Classification Criteria Version 2. Collection method: clinical testing. Allele origin: germline. Affected: yes. Observed: 9 variant alleles.
Comment: LRP2: BP4, BP7

Blueprint Genetics
Classification: Likely benign. Last evaluated: 2024-09-13. Review status: criteria provided, single submitter. Criteria: ACMG Guidelines, 2015. Collection method: clinical testing. Allele origin: germline.

Genome-Nilou Lab
Classification: Likely benign for Donnai-Barrow syndrome. Last evaluated: 2021-07-15. Review status: criteria provided, single submitter. Criteria: ACMG Guidelines, 2015. Collection method: clinical testing. Allele origin: germline. Affected: no.

Illumina Laboratory Services, Illumina
Classification: Uncertain significance for Donnai-Barrow syndrome. Last evaluated: 2018-01-13. Review status: criteria provided, single submitter. Criteria: ICSL Variant Classification Criteria 13 December 2019. Collection method: clinical testing. Allele origin: germline.